The following is an entry in ClinVar:

ClinVar aggregate classification (germline): Benign/Likely benign. Review status: criteria provided, multiple submitters, no conflicts (2 of 4 stars). 5 submissions from 5 submitters: Benign (4); Likely benign (1). Last evaluated 2026-02-04.

Conditions:
Hypertrophic cardiomyopathy. Also called: HYPERTROPHIC MYOCARDIOPATHY. Identifiers: Orphanet 217569, MedGen C0007194, MeSH D002312, MONDO:0005045, HP:0001639.

Allele frequency attached by ClinVar (database versions not stated): gnomAD exomes 0.29675 and 0.31477; ExAC 0.30103; 1000 Genomes Project 0.31609; 1000 Genomes Project 30x 0.31996; TOPMed 0.33379; gnomAD 0.33439 and 0.33709; ESP Exome Variant Server 0.33950.
gnomAD v4.1: 509,370 of 1,609,322 alleles (32%); highest among the groups gnomAD compares: African/African-American, 41%; 82,103 homozygotes.

Submissions (5):

Labcorp Genetics (formerly Invitae), Labcorp
Classification: Benign for Hypertrophic cardiomyopathy. Last evaluated: 2026-02-04. Review status: criteria provided, single submitter. Criteria: Invitae Variant Classification Sherloc (09022015). Collection method: clinical testing. Allele origin: germline.

Ambry Genetics
Classification: Likely benign. Last evaluated: 2022-05-17. Review status: criteria provided, single submitter. Criteria: Ambry Variant Classification Scheme 2023. Collection method: clinical testing. Allele origin: germline.

GeneDx
Classification: Benign. Last evaluated: 2018-06-13. Review status: criteria provided, single submitter. Criteria: GeneDx Variant Classification (06012015). Collection method: clinical testing. Allele origin: germline. Affected: yes.
Comment: This variant is considered likely benign or benign based on one or more of the following criteria: it is a conservative change, it occurs at a poorly conserved position in the protein, it is predicted to be benign by multiple in silico algorithms, and/or has population frequency not consistent with disease.

Laboratory for Molecular Medicine, Mass General Brigham Personalized Medicine
Classification: Benign. Last evaluated: 2014-11-24. Review status: criteria provided, single submitter. Criteria: LMM Criteria. Collection method: clinical testing. Allele origin: germline. Observed: 255 variant alleles.
Comment: His382His in exon 8 of MYOM1: This variant is not expected to have clinical sign ificance because it does not alter an amino acid residue and is not located with in the splice consensus sequence. It has been identified in 39.2% (1462/3730) of African American chromosomes from a broad population by the NHLBI Exome Sequenc ing Project (dbSNP rs2230163).

Breakthrough Genomics
Classification: Benign. Review status: criteria provided, single submitter. Criteria: ACMG Guidelines, 2015. Collection method: not provided. Allele origin: germline. Inheritance: Unknown mechanism. Affected: yes.

NM_003803.4(MYOM1):c.1146C>T (p.His382=)

Gene: MYOM1 (myomesin 1; minus strand). Cytogenetic location: 18p11.31.
Variant type: single nucleotide variant.
Coding change: c.1146C>T on transcript NM_003803.4 (MANE Select); coding-DNA position 1146, C replaced by T.
Protein change: p.His382=; no amino-acid change (histidine 382 retained).
Molecular consequence: synonymous variant.
Genome position (GRCh38, 1-based): chr18:3,173,966, G>A on the plus strand (C>T on the coding strand, the complement: MYOM1 is on the minus strand). VCF-style: chr18-3173966-G-A. GRCh37 (hg19) VCF-style: chr18-3173964-G-A.
Other names: c.1146C>T, p.His382= (NM_019856.2).
Identifiers: ClinVar variation 226798 (VCV000226798.19), dbSNP rs2230163, ClinGen allele CA8875036.